The following is an entry in ClinVar:

ClinVar aggregate classification (germline): Uncertain significance (1 of 4 stars; one submission).

Conditions:
ABCC6-related disorder. Also called: ABCC6-related condition.

gnomAD v4.1: 26 of 1,613,956 alleles (0.0016%); highest among the groups gnomAD compares: South Asian, 0.024%; no homozygotes.

Submission:

PreventionGenetics, part of Exact Sciences
Classification: Uncertain significance for ABCC6-related condition. Last evaluated: 2026-06-08. Review status: criteria provided, single submitter. Criteria: ACMG Guidelines, 2015. Collection method: clinical testing. Allele origin: germline.
Comment: The ABCC6 c.3826C>T variant is predicted to result in the amino acid substitution p.Pro1276Ser. To our knowledge, this variant has not been reported in the literature. This variant is present in 0.020% of alleles in individuals of South Asian descent in gnomAD. At this time, the clinical significance of this variant is uncertain due to the absence of conclusive functional and genetic evidence.

NM_001171.6(ABCC6):c.3826C>T (p.Pro1276Ser)

Gene: ABCC6 (ATP binding cassette subfamily C member 6; minus strand). Cytogenetic location: 16p13.11.
Variant type: single nucleotide variant.
Coding change: c.3826C>T on transcript NM_001171.6 (MANE Select); coding-DNA position 3826, C replaced by T.
Protein change: p.Pro1276Ser; replaces proline 1276 with serine.
Molecular consequence: missense variant. On other transcripts: non-coding transcript variant (4).
Genome position (GRCh38, 1-based): chr16:16,157,719, G>A on the plus strand (C>T on the coding strand, the complement: ABCC6 is on the minus strand). VCF-style: chr16-16157719-G-A. GRCh37 (hg19) VCF-style: chr16-16251576-G-A.
Other names: c.3484C>T, p.Pro1162Ser (NM_001351800.1); c.3793C>T, p.Pro1265Ser (NM_001440309.1); c.3658C>T, p.Pro1220Ser (NM_001440310.1); short protein forms P1276S, P1162S, P1220S, P1265S.
Identifiers: ClinVar variation 4981850 (VCV004981850.1).